The following is an entry in ClinVar:

ClinVar aggregate classification (germline): Uncertain significance (1 of 4 stars; one submission).

Conditions:
Hyperekplexia 3 (HKPX3). Also called: HYPEREKPLEXIA 3, AUTOSOMAL RECESSIVE; HYPEREKPLEXIA 3, AUTOSOMAL DOMINANT. Identifiers: Orphanet 3197, MedGen C3553288, MONDO:0013827, OMIM 614618.

Submission:

Labcorp Genetics (formerly Invitae), Labcorp
Classification: Uncertain significance for Hyperekplexia 3. Last evaluated: 2022-10-25. Review status: criteria provided, single submitter. Criteria: Invitae Variant Classification Sherloc (09022015). Collection method: clinical testing. Allele origin: germline.
Comment: In summary, the available evidence is currently insufficient to determine the role of this variant in disease. Therefore, it has been classified as a Variant of Uncertain Significance. Algorithms developed to predict the effect of missense changes on protein structure and function are either unavailable or do not agree on the potential impact of this missense change (SIFT: "Not Available"; PolyPhen-2: "Benign"; Align-GVGD: "Not Available"). ClinVar contains an entry for this variant (Variation ID: 1363225). This variant has not been reported in the literature in individuals affected with SLC6A5-related conditions. This variant is present in population databases (no rsID available, gnomAD 1.6%). This sequence change replaces serine, which is neutral and polar, with leucine, which is neutral and non-polar, at codon 410 of the SLC6A5 protein (p.Ser410Leu).

NM_004211.5(SLC6A5):c.1229_1230inv (p.Ser410Leu)

Gene: SLC6A5 (solute carrier family 6 member 5; plus strand). Cytogenetic location: 11p15.1.
Variant type: Inversion.
Coding change: c.1229_1230inv on transcript NM_004211.5 (MANE Select).
Protein change: p.Ser410Leu; replaces serine 410 with leucine.
Molecular consequence: missense variant.
Genome position: GRCh38 VCF-style: chr11-20617853-CA-TG. GRCh37 (hg19) VCF-style: chr11-20639399-CA-TG.
Other names: c.527_528inv, p.Ser176Leu (NM_001318369.2); short protein forms S176L, S410L.
Identifiers: ClinVar variation 1363225 (VCV001363225.5), ClinGen allele CA2573146127.